The following is an entry in ClinVar:

ClinVar aggregate classification (germline): Uncertain significance (1 of 4 stars; one submission).

Conditions:
Hereditary spastic paraplegia. Also called: Familial spastic paraparesis. Identifiers: Orphanet 685, MedGen C0037773, MONDO:0019064. Disease mechanism: loss of function.

gnomAD v4.1: 1 of 1,598,238 alleles (0.000063%); highest among the groups gnomAD compares: Non-Finnish European, 0.000085%; no homozygotes.

Submission:

Labcorp Genetics (formerly Invitae), Labcorp
Classification: Uncertain significance for Hereditary spastic paraplegia. Last evaluated: 2024-09-19. Review status: criteria provided, single submitter. Criteria: Invitae Variant Classification Sherloc (09022015). Collection method: clinical testing. Allele origin: germline.
Comment: This sequence change replaces threonine, which is neutral and polar, with lysine, which is basic and polar, at codon 1118 of the USP8 protein (p.Thr1118Lys). This variant is not present in population databases (gnomAD no frequency). This variant has not been reported in the literature in individuals affected with USP8-related conditions. An algorithm developed to predict the effect of missense changes on protein structure and function (PolyPhen-2) suggests that this variant is likely to be disruptive. In summary, the available evidence is currently insufficient to determine the role of this variant in disease. Therefore, it has been classified as a Variant of Uncertain Significance.

NM_005154.5(USP8):c.3353C>A (p.Thr1118Lys)

Genes: USP8 (ubiquitin specific peptidase 8; plus strand), USP50 (ubiquitin specific peptidase 50; minus strand). Cytogenetic location: 15q21.2.
Variant type: single nucleotide variant.
Coding change: c.3353C>A on transcript NM_005154.5 (MANE Select); coding-DNA position 3353, C replaced by A.
Protein change: p.Thr1118Lys; replaces threonine 1118 with lysine.
Molecular consequence: missense variant.
Genome position (GRCh38, 1-based): chr15:50,499,084, C>A. VCF-style: chr15-50499084-C-A. GRCh37 (hg19) VCF-style: chr15-50791281-C-A.
Other names: c.3353C>A, p.Thr1118Lys (NM_001128610.3); c.3035C>A, p.Thr1012Lys (NM_001283049.2); short protein forms T1118K, T1012K.
Identifiers: ClinVar variation 3710581 (VCV003710581.2).